The following is an entry in ClinVar:

NM_001105206.3(LAMA4):c.3737C>T (p.Ala1246Val)

Gene: LAMA4 (laminin subunit alpha 4; minus strand). Cytogenetic location: 6q21.
Variant type: single nucleotide variant.
Coding change: c.3737C>T on transcript NM_001105206.3 (MANE Select); coding-DNA position 3737, C replaced by T.
Protein change: p.Ala1246Val; replaces alanine 1246 with valine.
Molecular consequence: missense variant.
Genome position (GRCh38, 1-based): chr6:112,132,850, G>A on the plus strand (C>T on the coding strand, the complement: LAMA4 is on the minus strand). VCF-style: chr6-112132850-G-A. GRCh37 (hg19) VCF-style: chr6-112454052-G-A.
Other names: c.3716C>T, p.Ala1239Val (NM_001105207.3, NM_002290.5); short protein forms A1246V, A1239V.
Identifiers: ClinVar variation 3866213 (VCV003866213.1).

ClinVar aggregate classification (germline): Uncertain significance (1 of 4 stars; one submission).

Conditions:
Cardiovascular phenotype. Identifiers: MedGen CN230736.

gnomAD v4.1: 1 of 1,612,516 alleles (0.000062%); highest among the groups gnomAD compares: African/African-American, 0.0013%; no homozygotes.

Submission:

Ambry Genetics
Classification: Uncertain significance for Cardiovascular phenotype. Last evaluated: 2025-01-28. Review status: criteria provided, single submitter. Criteria: Ambry Variant Classification Scheme 2023. Collection method: clinical testing. Allele origin: germline.
Comment: The p.A1239V variant (also known as c.3716C>T), located in coding exon 27 of the LAMA4 gene, results from a C to T substitution at nucleotide position 3716. The alanine at codon 1239 is replaced by valine, an amino acid with similar properties. This amino acid position is conserved. In addition, this alteration is predicted to be tolerated by in silico analysis. Based on the available evidence, the clinical significance of this variant remains unclear.